The following is an entry in ClinVar:

ClinVar aggregate classification (germline): Uncertain significance (1 of 4 stars; one submission).

Conditions:
LOXL2-related disorder.

Submission:

3billion
Classification: Uncertain significance for LOXL2-related disorder. Last evaluated: 2026-01-19. Review status: criteria provided, single submitter. Criteria: ACMG Guidelines, 2015. Collection method: clinical testing. Allele origin: germline. Affected: yes.
Comment: The variant is observed at an extremely low frequency in the gnomAD v4.1.0 dataset (total allele frequency: <0.001%). Predicted Consequence/Location: Frameshift variant The variant has been reported to be associated with LOXL2-related disorder (PMID: 37345575). However, the evidence of pathogenicity is insufficient at this time. Therefore, this variant is classified as VUS according to the recommendation of ACMG/AMP guideline.

Literature cited by the submitters: PubMed 37345575.

NM_002318.3(LOXL2):c.64dup (p.Leu22fs)

Gene: LOXL2 (lysyl oxidase like 2; minus strand). Cytogenetic location: 8p21.3.
Variant type: Duplication.
Coding change: c.64dup on transcript NM_002318.3 (MANE Select); coding-DNA position 64, one base duplicated (C; older notation c.64dupC).
Protein change: p.Leu22fs; shifts the reading frame from leucine 22.
Molecular consequence: frameshift variant.
Genome position (GRCh38, 1-based): chr8:23,368,288, G duplicated on the plus strand (C on the coding strand, the reverse complement: LOXL2 is on the minus strand); the first of 6 consecutive G bases (chr8:23,368,288-23,368,293); duplicating any one gives the same sequence. VCF-style (leftmost placement, unchanged base first): chr8-23368287-A-AG. GRCh37 (hg19) VCF-style: chr8-23225800-A-AG.
Other names: short protein forms L22fs.
Identifiers: ClinVar variation 4855540 (VCV004855540.1).